The following is an entry in ClinVar:

NM_015164.4(PLEKHM2):c.2543G>A (p.Arg848Gln)

Gene: PLEKHM2 (pleckstrin homology and RUN domain containing M2; plus strand). Cytogenetic location: 1p36.21.
Variant type: single nucleotide variant.
Coding change: c.2543G>A on transcript NM_015164.4 (MANE Select); coding-DNA position 2543, G replaced by A.
Protein change: p.Arg848Gln; replaces arginine 848 with glutamine.
Molecular consequence: missense variant.
Genome position (GRCh38, 1-based): chr1:15,731,966, G>A. VCF-style: chr1-15731966-G-A. GRCh37 (hg19) VCF-style: chr1-16058461-G-A.
Other names: short protein forms R848Q.
Identifiers: ClinVar variation 1009467 (VCV001009467.5), dbSNP rs376748082, ClinGen allele CA617292.

ClinVar aggregate classification (germline): Uncertain significance (1 of 4 stars; one submission).

Conditions:
Dilated Cardiomyopathy, Recessive.

Allele frequency attached by ClinVar (database versions not stated): TOPMed 0.00008.
gnomAD v4.1: 291 of 1,612,240 alleles (0.018%); highest among the groups gnomAD compares: South Asian, 0.12%; 5 homozygotes.

Submission:

Labcorp Genetics (formerly Invitae), Labcorp
Classification: Uncertain significance. Last evaluated: 2024-10-08. Review status: criteria provided, single submitter. Criteria: Invitae Variant Classification Sherloc (09022015). Collection method: clinical testing. Allele origin: germline.
Comment: This sequence change replaces arginine, which is basic and polar, with glutamine, which is neutral and polar, at codon 848 of the PLEKHM2 protein (p.Arg848Gln). This variant is present in population databases (rs376748082, gnomAD 0.09%), and has an allele count higher than expected for a pathogenic variant. This variant has not been reported in the literature in individuals affected with PLEKHM2-related conditions. ClinVar contains an entry for this variant (Variation ID: 1009467). An algorithm developed to predict the effect of missense changes on protein structure and function (PolyPhen-2) suggests that this variant is likely to be disruptive. In summary, the available evidence is currently insufficient to determine the role of this variant in disease. Therefore, it has been classified as a Variant of Uncertain Significance.